The following is an entry in ClinVar:

ClinVar aggregate classification (germline): Pathogenic/Likely pathogenic. Review status: criteria provided, multiple submitters, no conflicts (2 of 4 stars). 5 submissions from 5 submitters: Pathogenic (1); Likely pathogenic (3). 1 of the submissions does not count toward it. Last evaluated 2024-08-28.

Conditions:
Usher syndrome type 2A. Also called: RETINAL DISEASE IN USHER SYNDROME TYPE IIA, MODIFIER OF; USHER SYNDROME, TYPE IIA. Identifiers: Orphanet 231178, Orphanet 886, MedGen C1848634, MONDO:0010169, OMIM 276901.
Retinitis pigmentosa 39 (RP39). Identifiers: Orphanet 791, MedGen C3151138, MONDO:0013436, OMIM 613809.
USH2A-related disorder. Also called: USH2A-related disorders; USH2A-related condition. Identifiers: MedGen CN239332.

Submissions (5):

Human Genome Sequencing Center Clinical Lab, Baylor College of Medicine
Classification: Likely pathogenic for Usher syndrome, type 2A. Last evaluated: 2024-08-28. Review status: criteria provided, single submitter. Criteria: ACMG Guidelines, 2015. Collection method: clinical testing. Allele origin: inherited. Affected: yes.
Comment: The c.3317-1G>A splicing variant in the USH2A gene has been reported in at least one individual affected with Usher syndrome (PMID: 27460420). In-silico computational prediction tools suggest that the c.3317-1G>A variant likely leads to acceptor loss (SpliceAI: 0.95) and is predicted to result in an absent or aberrant protein product. This variant is absent in the general population database, gnomAD and interpreted as likely pathogenic by a single submitter in ClinVar (VCV000553748.5). Other intronic variants affecting the same canonical acceptor splice site, c.3317-2A>G and c.3317-2A>C, have been reported in several individuals affected with Usher syndrome (PMID: 17405132, 24944099) and retinitis pigmentosa (PMID: 23591405, 24625443, 32531858; VCV000866916.13, VCV002815291.3). Loss-of-function variants in USH2A are well known to be pathogenic (PMID: 10729113, 10909849, 20507924, 25649381). Therefore, this variant is classified as likely pathogenic.

Fulgent Genetics
Classification: Likely pathogenic for Usher syndrome type 2A; Retinitis pigmentosa 39. Last evaluated: 2024-06-17. Review status: criteria provided, single submitter. Criteria: ACMG Guidelines, 2015. Collection method: clinical testing. Allele origin: germline.

Labcorp Genetics (formerly Invitae), Labcorp
Classification: Pathogenic. Last evaluated: 2024-02-23. Review status: criteria provided, single submitter. Criteria: Invitae Variant Classification Sherloc (09022015). Collection method: clinical testing. Allele origin: germline.
Comment: This sequence change affects an acceptor splice site in intron 16 of the USH2A gene. It is expected to disrupt RNA splicing. Variants that disrupt the donor or acceptor splice site typically lead to a loss of protein function (PMID: 16199547), and loss-of-function variants in USH2A are known to be pathogenic (PMID: 10729113, 10909849, 20507924, 25649381). This variant is not present in population databases (gnomAD no frequency). Disruption of this splice site has been observed in individual(s) with Usher syndrome (PMID: 27460420). ClinVar contains an entry for this variant (Variation ID: 553748). Algorithms developed to predict the effect of sequence changes on RNA splicing suggest that this variant may disrupt the consensus splice site. For these reasons, this variant has been classified as Pathogenic.

Blueprint Genetics
Classification: Likely pathogenic for USH2A-related disorders. Last evaluated: 2019-09-20. Review status: criteria provided, single submitter. Criteria: ACMG Guidelines, 2015. Collection method: clinical testing. Allele origin: germline. Affected: yes. Observed: 1 variant allele.

Counsyl
Classification: Likely pathogenic for Usher syndrome type 2A; Retinitis pigmentosa 39. Last evaluated: 2017-09-06. Review status: no assertion criteria provided. Collection method: clinical testing. Allele origin: unknown. Not counted in ClinVar's aggregate classification.

Literature cited by the submitters: PubMed 27460420 (cited by 3 submitters); PubMed 17405132 (cited by Human Genome Sequencing Center Clinical Lab, Baylor College of Medicine); PubMed 24944099 (cited by Human Genome Sequencing Center Clinical Lab, Baylor College of Medicine); PubMed 23591405 (cited by Human Genome Sequencing Center Clinical Lab, Baylor College of Medicine); PubMed 24625443 (cited by Human Genome Sequencing Center Clinical Lab, Baylor College of Medicine); PubMed 32531858 (cited by Human Genome Sequencing Center Clinical Lab, Baylor College of Medicine); PubMed 10729113 (cited by Human Genome Sequencing Center Clinical Lab, Baylor College of Medicine and Labcorp Genetics (formerly Invitae), Labcorp); PubMed 10909849 (cited by Human Genome Sequencing Center Clinical Lab, Baylor College of Medicine and Labcorp Genetics (formerly Invitae), Labcorp); PubMed 20507924 (cited by Human Genome Sequencing Center Clinical Lab, Baylor College of Medicine and Labcorp Genetics (formerly Invitae), Labcorp); PubMed 25649381 (cited by Human Genome Sequencing Center Clinical Lab, Baylor College of Medicine and Labcorp Genetics (formerly Invitae), Labcorp); PubMed 16199547 (cited by Labcorp Genetics (formerly Invitae), Labcorp).

NM_206933.4(USH2A):c.3317-1G>A

Genes: USH2A (usherin; minus strand), USH2A-AS1 (USH2A antisense RNA 1; plus strand). Cytogenetic location: 1q41.
Variant type: single nucleotide variant.
Coding change: c.3317-1G>A on transcript NM_206933.4 (MANE Select); the canonical splice acceptor site of the intron before coding-DNA position 3317, G replaced by A.
Molecular consequence: splice acceptor variant.
Genome position (GRCh38, 1-based): chr1:216,200,122, C>T on the plus strand (G>A on the coding strand, the complement: USH2A is on the minus strand). VCF-style: chr1-216200122-C-T. GRCh37 (hg19) VCF-style: chr1-216373464-C-T.
Other names: c.3317-1G>A (NM_007123.6).
Identifiers: ClinVar variation 553748 (VCV000553748.7), dbSNP rs1553313909, ClinGen allele CA344869180.